The following continues an entry in ClinVar:

NM_000152.5(GAA):c.671G>A (p.Arg224Gln)

Gene: GAA. ClinVar aggregate classification (germline): Likely pathogenic. Likely pathogenic (1).

Submissions 9 to 11 of 11:

Women's Health and Genetics/Laboratory Corporation of America, LabCorp
Classification: Pathogenic for Glycogen storage disease, type II. Last evaluated: 2024-03-14. Review status: criteria provided, single submitter. Criteria: LabCorp Variant Classification Summary - May 2015. Collection method: clinical testing. Allele origin: germline. Not counted in ClinVar's aggregate classification.
Comment: Variant summary: GAA c.671G>A (p.Arg224Gln) results in a conservative amino acid change located in the Galactose mutarotase, N-terminal barrel domain (IPR031727) of the encoded protein sequence. Four of five in-silico tools predict a damaging effect of the variant on protein function. The variant allele was found at a frequency of 2.5e-05 in 243266 control chromosomes (gnomAD). c.671G>A has been reported in the literature in individuals affected with Glycogen Storage Disease, Type 2 (Pompe Disease) (van der Beek_2011, Kroos_2012, Liao_2017). At least one functional study reports experimental evidence evaluating an impact on protein function and variant effect results in <10% of normal activity (Kroos_2012). A different variant affecting this residue has been classified pathogenic internally. ClinVar contains an entry for this variant (Variation ID: 664582). Based on the evidence outlined above, the variant was classified as pathogenic.

Broad Center for Mendelian Genomics, Broad Institute of MIT and Harvard
Classification: Pathogenic for Glycogen storage disease, type II. Last evaluated: 2020-01-22. Review status: criteria provided, single submitter. Criteria: ACMG Guidelines, 2015. Collection method: curation. Allele origin: germline. Inheritance: Autosomal recessive inheritance. Not counted in ClinVar's aggregate classification.
Comment: The p.Arg224Gln variant in GAA has been reported in 4 individuals with glycogen storage disease II (PMID: 23147228, 23000108, 21488293, 22644586), and has been identified in 0.008% (2/24814) of African chromosomes, 0.005% (1/19926) of East Asian chromosomes, and 0.003% (1/35358) of Latino chromosomes by the Genome Aggregation Database (gnomAD; dbSNP rs200210219). Although this variant has been seen in the general population, its frequency is low enough to be consistent with a recessive carrier frequency. In vitro functional studies with COS cells transfected with the variant provide some evidence that the p.Arg224Gln variant may impact protein function (PMID: 22644586). However, these types of assays may not accurately represent biological function. Computational prediction tools and conservation analyses suggest that this variant may impact the protein, though this information is not predictive enough to determine pathogenicity. The phenotype of an individual heterozygous for this variant is highly specific for glycogen storage disease II based on GAA enzyme activity being <1% of normal in fibroblasts and lymphocytes, consistent with disease (PMID: 23000108). One additional likely pathogenic variant, resulting in a different amino acid change at the same position, p.Arg224Pro, has been reported in association with disease in the literature, slightly supporting that a change at this position may not be tolerated (PMID: 22644586, 20080426). Additionally, the presence of this variant in combination with reported pathogenic variant c.525delT (VariationID: 4033) and in two individuals with glycogen storage disease II increases the likelihood that the p.Arg224Gln variant is pathogenic. In summary, this variant meets criteria to be classified as pathogenic for glycogen storage disease in an autosomal recessive manner based on the predicted impact on the protein based on in vitro functional studies and computational evidence, the low frequency of the variant in the general population, and the detection of the variant in affected individuals also harboring another pathogenic variant. ACMG/AMP Criteria applied: PS3, PM2, PM3, PP3, PM5_Supporting, PP4 (Richards 2015).

Blueprint Genetics
Classification: Uncertain significance. Last evaluated: 2018-11-05. Review status: criteria provided, single submitter. Criteria: ACMG Guidelines, 2015. Collection method: clinical testing. Allele origin: germline. Not counted in ClinVar's aggregate classification.

Literature cited by the submitters: PubMed 23000108 (cited by 6 submitters); PubMed 22002441 (cited by Genomenon, Inc and Women's Health and Genetics/Laboratory Corporation of America, LabCorp); PubMed 22644586 (cited by 5 submitters); PubMed 8429042 (cited by Labcorp Genetics (formerly Invitae), Labcorp); PubMed 12923862 (cited by Labcorp Genetics (formerly Invitae), Labcorp); PubMed 14643388 (cited by Labcorp Genetics (formerly Invitae), Labcorp); PubMed 25026126 (cited by Labcorp Genetics (formerly Invitae), Labcorp); PubMed 28450385 (cited by Myriad Genetics, Inc. and Women's Health and Genetics/Laboratory Corporation of America, LabCorp); PubMed 34995642 (cited by Myriad Genetics, Inc.); PubMed 37414610 (cited by Myriad Genetics, Inc.); PubMed 29061980 (cited by Women's Health and Genetics/Laboratory Corporation of America, LabCorp); PubMed 23147228 (cited by Women's Health and Genetics/Laboratory Corporation of America, LabCorp and Broad Center for Mendelian Genomics, Broad Institute of MIT and Harvard).